The following is an entry in ClinVar:

ClinVar aggregate classification (germline): Pathogenic (1 of 4 stars; one submission).

Conditions:
Fetal anomalies with a likely genetic cause.

gnomAD v4.1: 1 of 1,605,110 alleles (0.000062%); highest among the groups gnomAD compares: Non-Finnish European, 0.000085%; no homozygotes.

Submission:

Genetics Laboratory, Great Ormond Street Hospital NHS Foundation Trust, North Thames Genomic Laboratory Hub
Classification: Pathogenic for Fetal anomalies with a likely genetic cause. Last evaluated: 2026-03-19. Review status: criteria provided, single submitter. Criteria: ACGS Best Practice Guidelines for Variant Classification in Rare Disease 2024 v1.2. Collection method: clinical testing. Allele origin: germline. Affected: yes.
Comment: PM2_moderate, PVS1_very-strong

NM_001286577.2(C2CD3):c.3160+1G>A

Gene: C2CD3 (C2 domain containing 3 centriole elongation regulator; minus strand). Cytogenetic location: 11q13.4.
Variant type: single nucleotide variant.
Coding change: c.3160+1G>A on transcript NM_001286577.2 (MANE Select); the canonical splice donor site of the intron after coding-DNA position 3160, G replaced by A.
Molecular consequence: splice donor variant.
Genome position (GRCh38, 1-based): chr11:74,095,227, C>T on the plus strand (G>A on the coding strand, the complement: C2CD3 is on the minus strand). VCF-style: chr11-74095227-C-T. GRCh37 (hg19) VCF-style: chr11-73806272-C-T.
Other names: c.3160+1G>A (NM_015531.6).
Identifiers: ClinVar variation 4850886 (VCV004850886.1).